The following is an entry in ClinVar:

NM_015915.5(ATL1):c.86T>C (p.Val29Ala)

Gene: ATL1 (atlastin GTPase 1; plus strand). Cytogenetic location: 14q22.1.
Variant type: single nucleotide variant.
Coding change: c.86T>C on transcript NM_015915.5 (MANE Select); coding-DNA position 86, T replaced by C.
Protein change: p.Val29Ala; replaces valine 29 with alanine.
Molecular consequence: missense variant.
Genome position (GRCh38, 1-based): chr14:50,587,882, T>C. VCF-style: chr14-50587882-T-C. GRCh37 (hg19) VCF-style: chr14-51054600-T-C.
Other names: c.86T>C, p.Val29Ala (NM_001127713.1, NM_181598.4); short protein forms V29A.
Identifiers: ClinVar variation 1491035 (VCV001491035.8), dbSNP rs2140201745, ClinGen allele CA389665298.

ClinVar aggregate classification (germline): Uncertain significance (1 of 4 stars; one submission).

Conditions:
Hereditary spastic paraplegia 3A (SPG3A). Also called: SPASTIC PARAPLEGIA 3, AUTOSOMAL DOMINANT; FAMILIAL SPASTIC PARAPLEGIA, AUTOSOMAL DOMINANT, 1; SPG3; STRUMPELL DISEASE; Spastic Paraplegia 3A; Spastic paraplegia 3A, autosomal dominant. Identifiers: Orphanet 100984, MedGen C2931355, MONDO:0008437, OMIM 182600.

Allele frequency attached by ClinVar (database versions not stated): gnomAD exomes below 0.00001.
gnomAD v4.1: 1 of 1,614,100 alleles (0.000062%); highest among the groups gnomAD compares: Non-Finnish European, 0.000085%; no homozygotes.

Submission:

Labcorp Genetics (formerly Invitae), Labcorp
Classification: Uncertain significance for Hereditary spastic paraplegia 3A. Last evaluated: 2020-12-04. Review status: criteria provided, single submitter. Criteria: Invitae Variant Classification Sherloc (09022015). Collection method: clinical testing. Allele origin: germline.
Comment: In summary, the available evidence is currently insufficient to determine the role of this variant in disease. Therefore, it has been classified as a Variant of Uncertain Significance. Advanced modeling of protein sequence and biophysical properties (such as structural, functional, and spatial information, amino acid conservation, physicochemical variation, residue mobility, and thermodynamic stability) performed at Invitae indicates that this missense variant is not expected to disrupt ATL1 protein function. This variant has not been reported in the literature in individuals with ATL1-related conditions. This variant is not present in population databases (ExAC no frequency). This sequence change replaces valine with alanine at codon 29 of the ATL1 protein (p.Val29Ala). The valine residue is moderately conserved and there is a small physicochemical difference between valine and alanine.